The following is an entry in ClinVar:

NM_015100.4(POGZ):c.1064A>T (p.Glu355Val)

Gene: POGZ (pogo transposable element derived with ZNF domain; minus strand). Cytogenetic location: 1q21.3.
Variant type: single nucleotide variant.
Coding change: c.1064A>T on transcript NM_015100.4 (MANE Select); coding-DNA position 1064, A replaced by T.
Protein change: p.Glu355Val; replaces glutamic acid 355 with valine.
Molecular consequence: missense variant.
Genome position (GRCh38, 1-based): chr1:151,427,837, T>A on the plus strand (A>T on the coding strand, the complement: POGZ is on the minus strand). VCF-style: chr1-151427837-T-A. GRCh37 (hg19) VCF-style: chr1-151400313-T-A.
Other names: c.1037A>T, p.Glu346Val (NM_001194937.2); c.878A>T, p.Glu293Val (NM_001194938.2); c.1085A>T, p.Glu362Val (NM_001410860.1); c.779A>T, p.Glu260Val (NM_145796.4); c.905A>T, p.Glu302Val (NM_207171.2); short protein forms E260V, E293V, E302V, E346V, E355V, E362V.
Identifiers: ClinVar variation 1709658 (VCV001709658.2), dbSNP rs2529496414, ClinGen allele CA341975527.
Genomic context (GRCh38, chr1:151,427,837, plus strand): 5'-ATGTTTTTGAATGACTGGCTGCTCAGAGTCTTTCAGGTTATTGTACCTTTCATTGAAGAC[T>A]CAGGTCCGCTGGTTCTTTGAGAGCCATGAGCAGAGCTGTTGTTGGACACCACCACTGGCC-3'
Protein context (NP_055915.2, residues 345-365): AHGSQRTSGP[Glu355Val]SSMKVTSSIP

ClinVar aggregate classification (germline): Uncertain significance (1 of 4 stars; one submission).

Conditions:
Intellectual disability-microcephaly-strabismus-behavioral abnormalities syndrome. Also called: White-Sutton Syndrome. Identifiers: Orphanet 468678, MedGen C4225351, MONDO:0014606, OMIM 616364.

Submission:

MGZ Medical Genetics Center
Classification: Uncertain significance for Intellectual disability-microcephaly-strabismus-behavioral abnormalities syndrome. Last evaluated: 2022-07-21. Review status: criteria provided, single submitter. Criteria: ACMG Guidelines, 2015. Collection method: clinical testing. Allele origin: germline. Affected: yes. Observed: 1 variant allele.
Comment: ACMG criteria applied: PM2_SUP, PP2